The following is an entry in ClinVar:

NM_002693.3(POLG):c.3673dup (p.Glu1225fs)

Genes: FANCI (FA complementation group I; plus strand), POLG (DNA polymerase gamma, catalytic subunit; minus strand). Cytogenetic location: 15q26.1.
Variant type: Duplication.
Coding change: c.3673dup on transcript NM_002693.3 (MANE Select); coding-DNA position 3673, one base duplicated (G; older notation c.3673dupG).
Protein change: p.Glu1225fs; shifts the reading frame from glutamic acid 1225.
Molecular consequence: frameshift variant. On other transcripts: 3 prime UTR variant (4).
Genome position (GRCh38, 1-based): chr15:89,316,798, C duplicated on the plus strand (G on the coding strand, the reverse complement: POLG is on the minus strand). VCF-style (leftmost placement, unchanged base first): chr15-89316797-T-TC. GRCh37 (hg19) VCF-style: chr15-89860028-T-TC.
Other names: c.3673dup, p.Glu1225fs (NM_001126131.2); c.*339dup (NM_001113378.2, NM_001376910.1, NM_001376911.1 and 1 more transcripts); short protein forms E1225fs.
Identifiers: ClinVar variation 619449 (VCV000619449.4), dbSNP rs1567183122, ClinGen allele CA10602284.
Genomic context (GRCh38, chr15:89,316,797, plus strand): 5'-GCCTCCAGGCAGTGCTATGGTCCAGGCTGGCTTCGTTTTTCCAAGGAGCCTTTGGTGAGT[T>TC]CAATTATCTGGTAAATATCCAGCGCTTCACCTGAAAGATAGTGCAAATTGGTTAGGATGC-3'

ClinVar aggregate classification (germline): Conflicting classifications of pathogenicity. Review status: criteria provided, conflicting classifications (1 of 4 stars). 3 submissions from 3 submitters: Pathogenic (1); Uncertain significance (2). Last evaluated 2025-08-29.

Conditions:
POLG-related disorder. Also called: POLG-Related Spectrum Disorders; POLG-related condition; POLG-Related Disorders. Identifiers: MedGen C4763519.
Progressive sclerosing poliodystrophy (MTDPS4A). Also called: Mitochondrial DNA Depletion Syndrome 4A; ALPERS PROGRESSIVE INFANTILE POLIODYSTROPHY; Alpers Syndrome; NEURONAL DEGENERATION OF CHILDHOOD WITH LIVER DISEASE, PROGRESSIVE; Alpers-Huttenlocher Syndrome (AHS); ALPERS DIFFUSE DEGENERATION OF CEREBRAL GRAY MATTER WITH HEPATIC CIRRHOSIS. Identifiers: Orphanet 726, MedGen C0205710, MONDO:0008758, OMIM 203700.

Submissions (3):

Myriad Genetics, Inc.
Classification: Uncertain significance for POLG-related disorder. Last evaluated: 2025-08-29. Review status: criteria provided, single submitter. Criteria: Myriad Autosomal Dominant, Autosomal Recessive and X-Linked Classification Criteria (2023). Collection method: clinical testing. Allele origin: unknown.
Comment: NM_002693.2(POLG):c.3673dupG(E1225Gfs*58) is a frameshift variant that results in protein elongation classified as a variant of uncertain significance in the context of POLG-related disorders. E1225Gfs*58 has not been observed in cases with relevant disease. Relevant functional assessments of this variant are not available in the literature. E1225Gfs*58 has not been observed in referenced population frequency databases. In summary, there is insufficient evidence to classify NM_002693.2(POLG):c.3673dupG(E1225Gfs*58) as pathogenic or benign. Please note: this variant was assessed in the context of healthy population screening.

Labcorp Genetics (formerly Invitae), Labcorp
Classification: Uncertain significance for Progressive sclerosing poliodystrophy. Last evaluated: 2024-08-15. Review status: criteria provided, single submitter. Criteria: Invitae Variant Classification Sherloc (09022015). Collection method: clinical testing. Allele origin: germline.
Comment: This sequence change results in a frameshift in the POLG gene (p.Glu1225Glyfs*58). While this is not anticipated to result in nonsense mediated decay, it is expected to disrupt the last 15 amino acid(s) of the POLG protein and extend the protein by 42 additional amino acid residues. This variant is not present in population databases (gnomAD no frequency). This variant has not been reported in the literature in individuals affected with POLG-related conditions. ClinVar contains an entry for this variant (Variation ID: 619449). Experimental studies and prediction algorithms are not available or were not evaluated, and the functional significance of this variant is currently unknown. In summary, the available evidence is currently insufficient to determine the role of this variant in disease. Therefore, it has been classified as a Variant of Uncertain Significance.

Wong Mito Lab, Molecular and Human Genetics, Baylor College of Medicine
Classification: Pathogenic for Progressive sclerosing poliodystrophy. Last evaluated: 2018-10-01. Review status: criteria provided, single submitter. Criteria: ACMG Guidelines, 2015. Collection method: clinical testing. Allele origin: germline.
Comment: The NM_002693.2:c.3673dup (NP_002684.1:p.Glu1225GlyfsTer?) [GRCH38: NC_000015.10:g.89316798dup] variant in FANCI gene is interpretated to be a Pathogenic based on ACMG guidelines (PMID: 25741868). This variant meets the following evidence codes reported in the ACMG-guideline. PVS1:This variant is a predicted null variant in FANCI where loss of function is a known mechanism of disease. PM2:This variant is absent in key population databases. PM4:This variant causes alteration in the length of expressed protein. Based on the evidence criteria codes applied, the variant is suggested to be Pathogenic.